The following is an entry in ClinVar:

NM_018344.6(SLC29A3):c.52A>G (p.Arg18Gly)

Gene: SLC29A3 (solute carrier family 29 member 3; plus strand). Cytogenetic location: 10q22.1.
Variant type: single nucleotide variant.
Coding change: c.52A>G on transcript NM_018344.6 (MANE Select); coding-DNA position 52, A replaced by G.
Protein change: p.Arg18Gly; replaces arginine 18 with glycine.
Molecular consequence: missense variant. On other transcripts: 5 prime UTR variant (1), non-coding transcript variant (2).
Genome position (GRCh38, 1-based): chr10:71,322,806, A>G. VCF-style: chr10-71322806-A-G. GRCh37 (hg19) VCF-style: chr10-73082563-A-G.
Other names: c.52A>G, p.Arg18Gly (NM_001174098.2); c.-183A>G (NM_001363518.2); short protein forms R18G.
Identifiers: ClinVar variation 130342 (VCV000130342.24), dbSNP rs2277257, ClinGen allele CA155242.

ClinVar aggregate classification (germline): Benign/Likely benign. Review status: criteria provided, multiple submitters, no conflicts (2 of 4 stars). 9 submissions from 9 submitters: Benign (6); Likely benign (2). 1 of the submissions does not count toward it. Last evaluated 2026-02-04.

Conditions:
H syndrome. Also called: HISTIOCYTOSIS AND LYMPHADENOPATHY WITH OR WITHOUT CUTANEOUS, CARDIAC, AND/OR ENDOCRINE FEATURES, JOINT CONTRACTURES, AND/OR DEAFNESS; HYPERPIGMENTATION, CUTANEOUS, WITH HYPERTRICHOSIS, HEPATOSPLENOMEGALY, HEART ANOMALIES, AND HYPOGONADISM WITH OR WITHOUT HEARING LOSS; PIGMENTED HYPERTRICHOSIS WITH INSULIN-DEPENDENT DIABETES MELLITUS; ROSAI-DORFMAN DISEASE, FAMILIAL; SINUS HISTIOCYTOSIS AND MASSIVE LYMPHADENOPATHY; Hyperpigmentation, Cutaneous, with Hypertrichosis, Hepatosplenomegaly, Heart Anomalies, Hearing Loss, and Hypogonadism. Identifiers: Orphanet 168569, MedGen C1864445, MONDO:0011273, OMIM 602782.

Allele frequency attached by ClinVar (database versions not stated): gnomAD exomes 0.41534 and 0.41684; ExAC 0.42466; 1000 Genomes Project 0.46925; TOPMed 0.46992; gnomAD 0.47417 and 0.47837; 1000 Genomes Project 30x 0.47626; ESP Exome Variant Server 0.48739.
gnomAD v4.1: 682,004 of 1,613,876 alleles (42%); highest among the groups gnomAD compares: African/African-American, 65%; 147,529 homozygotes.

Submissions (9):

Labcorp Genetics (formerly Invitae), Labcorp
Classification: Benign for H syndrome. Last evaluated: 2026-02-04. Review status: criteria provided, single submitter. Criteria: Invitae Variant Classification Sherloc (09022015). Collection method: clinical testing. Allele origin: germline.

Women's Health and Genetics/Laboratory Corporation of America, LabCorp
Classification: Likely benign. Last evaluated: 2026-01-21. Review status: criteria provided, single submitter. Criteria: LabCorp Variant Classification Summary - May 2015. Collection method: clinical testing. Allele origin: germline.

Blueprint Genetics
Classification: Likely benign. Last evaluated: 2024-11-27. Review status: criteria provided, single submitter. Criteria: ACMG Guidelines, 2015. Collection method: clinical testing. Allele origin: germline.

Unidad de Genómica Garrahan, Hospital de Pediatría Garrahan
Classification: Benign. Last evaluated: 2023-11-12. Review status: criteria provided, single submitter. Criteria: ACMG Guidelines, 2015. Collection method: clinical testing. Allele origin: germline. Affected: no. Observed: 49 variant alleles.
Comment: This variant is classified as Benign based on local population frequency. This variant was detected in 51% of patients studied by a panel of primary immunodeficiencies. Number of patients: 49. Only high quality variants are reported.

Mayo Clinic Laboratories, Mayo Clinic
Classification: Benign. Last evaluated: 2022-11-10. Review status: criteria provided, single submitter. Criteria: ACMG Guidelines, 2015. Collection method: clinical testing. Allele origin: germline. Observed: 348 variant alleles.

Genome-Nilou Lab
Classification: Benign for H syndrome. Last evaluated: 2021-07-15. Review status: criteria provided, single submitter. Criteria: ACMG Guidelines, 2015. Collection method: clinical testing. Allele origin: germline. Affected: no.

Illumina Laboratory Services, Illumina
Classification: Benign for H syndrome. Last evaluated: 2018-01-13. Review status: criteria provided, single submitter. Criteria: ICSL Variant Classification Criteria 13 December 2019. Collection method: clinical testing. Allele origin: germline.
Comment: This variant was observed in the ICSL laboratory as part of a predisposition screen in an ostensibly healthy population. It had not been previously curated by ICSL or reported in the Human Gene Mutation Database (HGMD: prior to June 1st, 2018), and was therefore a candidate for classification through an automated scoring system. Utilizing variant allele frequency, disease prevalence and penetrance estimates, and inheritance mode, an automated score was calculated to assess if this variant is too frequent to cause the disease. Based on the score and internal cut-off values, a variant classified as benign is not then subjected to further curation. The score for this variant resulted in a classification of benign for this disease.

Breakthrough Genomics
Classification: Benign. Review status: criteria provided, single submitter. Criteria: ACMG Guidelines, 2015. Collection method: not provided. Allele origin: germline. Inheritance: Autosomal recessive inheritance. Affected: yes.

Genetic Services Laboratory, University of Chicago
Classification: Likely benign for AllHighlyPenetrant. Review status: no assertion criteria provided. Collection method: clinical testing. Allele origin: germline. Inheritance: Autosomal recessive inheritance. Not counted in ClinVar's aggregate classification.
Comment: Likely benign based on allele frequency in 1000 Genomes Project or ESP global frequency and its presence in a patient with a rare or unrelated disease phenotype. NOT Sanger confirmed.